The following is an entry in ClinVar:

ClinVar aggregate classification (germline): Uncertain significance (1 of 4 stars; one submission).

Conditions:
Multiple endocrine neoplasia, type 1 (MEN1). Also called: MEN I; WERMER SYNDROME; Endocrine adenomatosis multiple; MEN 1; MEA I. Identifiers: Orphanet 652, MedGen C0025267, MeSH D018761, MONDO:0007540, OMIM 131100.

Submission:

Labcorp Genetics (formerly Invitae), Labcorp
Classification: Uncertain significance for Multiple endocrine neoplasia, type 1. Last evaluated: 2019-06-02. Review status: criteria provided, single submitter. Criteria: Invitae Variant Classification Sherloc (09022015). Collection method: clinical testing. Allele origin: germline.
Comment: This sequence change replaces arginine with glycine at codon 330 of the MEN1 protein (p.Arg330Gly). The arginine residue is highly conserved and there is a moderate physicochemical difference between arginine and glycine. This variant is not present in population databases (ExAC no frequency). In summary, the available evidence is currently insufficient to determine the role of this variant in disease. Therefore, it has been classified as a Variant of Uncertain Significance. Algorithms developed to predict the effect of missense changes on protein structure and function (SIFT, PolyPhen-2, Align-GVGD) all suggest that this variant is likely to be disruptive, but these predictions have not been confirmed by published functional studies and their clinical significance is uncertain. This variant has not been reported in the literature in individuals with MEN1-related conditions.

NM_001370259.2(MEN1):c.988C>G (p.Arg330Gly)

Gene: MEN1 (menin 1; minus strand). Cytogenetic location: 11q13.1.
Variant type: single nucleotide variant.
Coding change: c.988C>G on transcript NM_001370259.2 (MANE Select); coding-DNA position 988, C replaced by G.
Protein change: p.Arg330Gly; replaces arginine 330 with glycine.
Molecular consequence: missense variant.
Genome position (GRCh38, 1-based): chr11:64,806,293, G>C on the plus strand (C>G on the coding strand, the complement: MEN1 is on the minus strand). VCF-style: chr11-64806293-G-C. GRCh37 (hg19) VCF-style: chr11-64573765-G-C.
Other names: c.1003C>G, p.Arg335Gly (NM_000244.4, NM_130800.3, NM_130801.3 and 3 more transcripts); c.988C>G, p.Arg330Gly (NM_001370251.2, NM_001370260.2, NM_001370261.2 and 1 more transcripts); c.883C>G, p.Arg295Gly (NM_001370262.2, NM_001370263.2); short protein forms R295G, R335G, R330G.
Identifiers: ClinVar variation 945754 (VCV000945754.9), dbSNP rs1565644005, ClinGen allele CA381183298.
Genomic context (GRCh38, chr11:64,806,293, plus strand): 5'-CCTGGATGACAGTGGCCGTGTCCGCCCAGGCCTGCAGGGCTTCCCGCACATTGCGGTTGC[G>C]ACAGTGGTAGCCAGCCAGGTACATGTAGGGGTAGATGTGTTCATCCCGATAGTAGGTCTT-3'
Protein context (NP_001357188.2, residues 320-340): PYMYLAGYHC[Arg330Gly]NRNVREALQA